The following is an entry in ClinVar:

ClinVar aggregate classification (germline): Pathogenic. Review status: criteria provided, multiple submitters, no conflicts (2 of 4 stars). 3 submissions from 3 submitters: Pathogenic (3). Last evaluated 2024-09-01.

Conditions:
Neurodegeneration with brain iron accumulation 5 (NBIA5). Also called: STATIC ENCEPHALOPATHY OF CHILDHOOD WITH NEURODEGENERATION IN ADULTHOOD; Beta-propeller protein-associated neurodegeneration. Identifiers: Orphanet 329284, MedGen C3550973, MONDO:0010476, OMIM 300894.
Inborn genetic diseases. Identifiers: MedGen C0950123, MeSH D030342.

Submissions (3):

CeGaT Center for Human Genetics Tuebingen
Classification: Pathogenic. Last evaluated: 2024-09-01. Review status: criteria provided, single submitter. Criteria: CeGaT Center For Human Genetics Tuebingen Variant Classification Criteria Version 2. Collection method: clinical testing. Allele origin: germline. Affected: yes. Observed: 1 variant allele.
Comment: WDR45: PVS1, PM2, PS4:Supporting

Ambry Genetics
Classification: Pathogenic for Inborn genetic diseases. Last evaluated: 2022-03-23. Review status: criteria provided, single submitter. Criteria: Ambry Variant Classification Scheme 2023. Collection method: clinical testing. Allele origin: germline.
Comment: The c.882_883delTC (p.Q295Vfs*11) alteration, located in exon 11 (coding exon 9) of the WDR45 gene, consists of a deletion of 2 nucleotides from position 882 to 883, causing a translational frameshift with a predicted alternate stop codon after 11 amino acids. This alteration is expected to result in loss of function by premature protein truncation or nonsense-mediated mRNA decay. This variant was not reported in population-based cohorts in the Genome Aggregation Database (gnomAD). Based on the available evidence, this alteration is classified as pathogenic.

Labcorp Genetics (formerly Invitae), Labcorp
Classification: Pathogenic for Neurodegeneration with brain iron accumulation 5. Last evaluated: 2021-11-28. Review status: criteria provided, single submitter. Criteria: Invitae Variant Classification Sherloc (09022015). Collection method: clinical testing. Allele origin: germline.
Comment: This variant is also known as c.879_880del (p.S293fs). For these reasons, this variant has been classified as Pathogenic. This premature translational stop signal has been observed in individual(s) with epileptic encephalopathy (PMID: 25849321). This variant is not present in population databases (gnomAD no frequency). This sequence change creates a premature translational stop signal (p.Gln295Valfs*11) in the WDR45 gene. It is expected to result in an absent or disrupted protein product. Loss-of-function variants in WDR45 are known to be pathogenic (PMID: 23176820, 24368176, 24621584, 25744623, 26790960, 27030146, 27652284, 28554332).

Literature cited by the submitters: PubMed 25262651 (cited by Ambry Genetics); PubMed 25849321 (cited by Ambry Genetics and Labcorp Genetics (formerly Invitae), Labcorp); PubMed 28551038 (cited by Ambry Genetics); PubMed 28711740 (cited by Ambry Genetics); PubMed 29396176 (cited by Ambry Genetics); PubMed 29895856 (cited by Ambry Genetics); PubMed 29981852 (cited by Ambry Genetics); PubMed 31101064 (cited by Ambry Genetics); PubMed 23176820 (cited by Labcorp Genetics (formerly Invitae), Labcorp); PubMed 24368176 (cited by Labcorp Genetics (formerly Invitae), Labcorp); PubMed 24621584 (cited by Labcorp Genetics (formerly Invitae), Labcorp); PubMed 25744623 (cited by Labcorp Genetics (formerly Invitae), Labcorp); PubMed 26790960 (cited by Labcorp Genetics (formerly Invitae), Labcorp); PubMed 27030146 (cited by Labcorp Genetics (formerly Invitae), Labcorp); PubMed 27652284 (cited by Labcorp Genetics (formerly Invitae), Labcorp); PubMed 28554332 (cited by Labcorp Genetics (formerly Invitae), Labcorp).

NM_001029896.2(WDR45):c.879_880del (p.Gln294fs)

Gene: WDR45 (WD repeat domain 45; minus strand). Cytogenetic location: Xp11.23.
Variant type: Microsatellite.
Coding change: c.879_880del on transcript NM_001029896.2 (MANE Select); coding-DNA positions 879 to 880, 2 bases deleted (TC; older notation c.879_880delTC).
Protein change: p.Gln294fs; shifts the reading frame from glutamine 294.
Molecular consequence: frameshift variant.
Genome position (GRCh38, 1-based): chrX:49,075,229-49,075,230, GA deleted on the plus strand (TC on the coding strand, the reverse complement: WDR45 is on the minus strand); deleting any 2 consecutive bases within chrX:49,075,229-49,075,233 gives the same sequence; the c. name uses the placement nearest the transcript's 3' end. VCF-style (leftmost placement, unchanged base first): chrX-49075228-TGA-T. GRCh37 (hg19) VCF-style: chrX-48932887-TGA-T.
Other names: c.882_883del, p.Gln295fs (NM_007075.4); c.882_883delTC (NM_007075.3); short protein forms Q294fs, Q295fs.
Identifiers: ClinVar variation 2138573 (VCV002138573.19), dbSNP rs2520260289, ClinGen allele CA658776098.
Genomic context (GRCh38, chrX:49,075,228, plus strand): 5'-CGACCGAAGGCGCAGATGCAAGCTGACTCAGCAGGCACAGTGAAGCTCGCCAGGCTCCAC[TGA>T]GAGTCCACGTACTGCCCAATCATAGGCCCCACCTTGCCCACGCGAGCCAGCCTGCAGGCA-3'